The following is an entry in ClinVar:

NM_016026.4(RDH11):c.151A>G (p.Thr51Ala)

Genes: GPHN (gephyrin; plus strand), RDH11 (retinol dehydrogenase 11; minus strand). Cytogenetic location: 14q24.1.
Variant type: single nucleotide variant.
Coding change: c.151A>G on transcript NM_016026.4 (MANE Select); coding-DNA position 151, A replaced by G.
Protein change: p.Thr51Ala; replaces threonine 51 with alanine.
Molecular consequence: missense variant.
Genome position (GRCh38, 1-based): chr14:67,692,976, T>C on the plus strand (A>G on the coding strand, the complement: RDH11 is on the minus strand). VCF-style: chr14-67692976-T-C. GRCh37 (hg19) VCF-style: chr14-68159693-T-C.
Other names: c.151A>G, p.Thr51Ala (NM_001252650.2); short protein forms T51A.
Identifiers: ClinVar variation 2074424 (VCV002074424.4), dbSNP rs2503650186, ClinGen allele CA390137228.
Genomic context (GRCh38, chr14:67,692,976, plus strand): 5'-GAAAGGAGGTGAACTTGCCTCTCTGAGCCAGCTCTTTGGCTGTCTCCTTCCCGATACCTG[T>C]ATTAGCTCCTGTGACCACAACTACTTTCCCAGGAAGCTGAACAGTTGATGTACACACCCC-3'
Protein context (NP_057110.3, residues 41-61): GKVVVVTGAN[Thr51Ala]GIGKETAKEL

ClinVar aggregate classification (germline): Uncertain significance (1 of 4 stars; one submission).

Submission:

Labcorp Genetics (formerly Invitae), Labcorp
Classification: Uncertain significance. Last evaluated: 2023-10-02. Review status: criteria provided, single submitter. Criteria: Invitae Variant Classification Sherloc (09022015). Collection method: clinical testing. Allele origin: germline.
Comment: This sequence change replaces threonine, which is neutral and polar, with alanine, which is neutral and non-polar, at codon 51 of the RDH11 protein (p.Thr51Ala). This variant is not present in population databases (gnomAD no frequency). This variant has not been reported in the literature in individuals affected with RDH11-related conditions. ClinVar contains an entry for this variant (Variation ID: 2074424). An algorithm developed to predict the effect of missense changes on protein structure and function (PolyPhen-2) suggests that this variant is likely to be tolerated. In summary, the available evidence is currently insufficient to determine the role of this variant in disease. Therefore, it has been classified as a Variant of Uncertain Significance.